The following is an entry in ClinVar:

ClinVar aggregate classification (germline): Likely benign (0 of 4 stars; one submission).

Conditions:
EIF4G1-related disorder. Also called: EIF4G1-related condition.

Allele frequency attached by ClinVar (database versions not stated): gnomAD exomes 0.00015; ExAC 0.00046; 1000 Genomes Project 30x 0.00078; 1000 Genomes Project 0.00080; ESP Exome Variant Server 0.00123; gnomAD 0.00145; TOPMed 0.00187.
gnomAD v4.1: 457 of 1,614,224 alleles (0.028%); highest among the groups gnomAD compares: African/African-American, 0.54%; 1 homozygote.

Submission:

PreventionGenetics, part of Exact Sciences
Classification: Likely benign for EIF4G1-related condition. Last evaluated: 2019-05-31. Review status: no assertion criteria provided. Collection method: clinical testing. Allele origin: germline.
Comment: This variant is classified as likely benign based on ACMG/AMP sequence variant interpretation guidelines (Richards et al. 2015 PMID: 25741868, with internal and published modifications).

NM_198241.3(EIF4G1):c.2664G>A (p.Arg888=)

Gene: EIF4G1 (eukaryotic translation initiation factor 4 gamma 1; plus strand). Cytogenetic location: 3q27.1.
Variant type: single nucleotide variant.
Coding change: c.2664G>A on transcript NM_198241.3 (MANE Select); coding-DNA position 2664, G replaced by A.
Protein change: p.Arg888=; no amino-acid change (arginine 888 retained).
Molecular consequence: synonymous variant.
Genome position (GRCh38, 1-based): chr3:184,324,922, G>A. VCF-style: chr3-184324922-G-A. GRCh37 (hg19) VCF-style: chr3-184042710-G-A.
Other names: c.2685G>A, p.Arg895= (NM_001194946.2, NM_001194947.2); c.2544G>A, p.Arg848= (NM_001291157.2); c.2079G>A, p.Arg693= (NM_004953.5); c.2667G>A, p.Arg889= (NM_182917.4); c.2172G>A, p.Arg724= (NM_198242.3); c.2403G>A, p.Arg801= (NM_198244.3).
Identifiers: ClinVar variation 3041198 (VCV003041198.2), dbSNP rs113839760, ClinGen allele CA2732548.